The following is an entry in ClinVar:

NM_001256114.2(LHX8):c.944C>T (p.Ala315Val)

Gene: LHX8 (LIM homeobox 8; plus strand). Cytogenetic location: 1p31.1.
Variant type: single nucleotide variant.
Coding change: c.944C>T on transcript NM_001256114.2 (MANE Select); coding-DNA position 944, C replaced by T.
Protein change: p.Ala315Val; replaces alanine 315 with valine.
Molecular consequence: missense variant.
Genome position (GRCh38, 1-based): chr1:75,157,056, C>T. VCF-style: chr1-75157056-C-T. GRCh37 (hg19) VCF-style: chr1-75622741-C-T.
Other names: c.974C>T, p.Ala325Val (NM_001001933.1); short protein forms A315V, A325V.
Identifiers: ClinVar variation 1334980 (VCV001334980.35), dbSNP rs34889650, ClinGen allele CA912037.

ClinVar aggregate classification (germline): Uncertain significance. Review status: criteria provided, single submitter (1 of 4 stars). 2 submissions from 2 submitters: Uncertain significance (1). 1 of the submissions does not count toward it. Last evaluated 2021-11-01.

Conditions:
LHX8-related disorder. Also called: LHX8-related condition.

Allele frequency attached by ClinVar (database versions not stated): 1000 Genomes Project 30x 0.00125; 1000 Genomes Project 0.00140; gnomAD 0.00142 and 0.00147; ESP Exome Variant Server 0.00154; ExAC 0.00197.
gnomAD v4.1: 3,122 of 1,614,100 alleles (0.19%); highest among the groups gnomAD compares: South Asian, 0.36%; 8 homozygotes.

Submissions (2):

CeGaT Center for Human Genetics Tuebingen
Classification: Uncertain significance. Last evaluated: 2021-11-01. Review status: criteria provided, single submitter. Criteria: CeGaT Center For Human Genetics Tuebingen Variant Classification Criteria Version 2. Collection method: clinical testing. Allele origin: germline. Affected: yes. Observed: 1 variant allele.

PreventionGenetics, part of Exact Sciences
Classification: Likely benign for LHX8-related condition. Last evaluated: 2024-07-25. Review status: no assertion criteria provided. Collection method: clinical testing. Allele origin: germline. Not counted in ClinVar's aggregate classification.
Comment: This variant is classified as likely benign based on ACMG/AMP sequence variant interpretation guidelines (Richards et al. 2015 PMID: 25741868, with internal and published modifications).